The following is an entry in ClinVar:

NM_004174.4(SLC9A3):c.114G>C (p.Glu38Asp)

Gene: SLC9A3 (solute carrier family 9 member A3). Cytogenetic location: 5p15.33.
Variant type: single nucleotide variant.
Coding change: c.114G>C on transcript NM_004174.4 (MANE Select); coding-DNA position 114, G replaced by C.
Protein change: p.Glu38Asp; replaces glutamic acid 38 with aspartic acid.
Molecular consequence: missense variant.
Genome position (GRCh38, 1-based): chr5:524,209, C>G on the plus strand (G>C on the coding strand, the complement: SLC9A3 is on the minus strand). VCF-style: chr5-524209-C-G. GRCh37 (hg19) VCF-style: chr5-524324-C-G.
Other names: c.114G>C, p.Glu38Asp (NM_001284351.3); short protein forms E38D.
Identifiers: ClinVar variation 2175687 (VCV002175687.2), dbSNP rs1215714557, ClinGen allele CA359018388.

ClinVar aggregate classification (germline): Uncertain significance (1 of 4 stars; one submission).

Allele frequency attached by ClinVar (database versions not stated): gnomAD exomes below 0.00001; TOPMed below 0.00001.
gnomAD v4.1: 1 of 1,528,072 alleles (0.000065%); highest among the groups gnomAD compares: East Asian, 0.0028%; no homozygotes.

Submission:

Labcorp Genetics (formerly Invitae), Labcorp
Classification: Uncertain significance. Last evaluated: 2022-03-12. Review status: criteria provided, single submitter. Criteria: Invitae Variant Classification Sherloc (09022015). Collection method: clinical testing. Allele origin: germline.
Comment: In summary, the available evidence is currently insufficient to determine the role of this variant in disease. Therefore, it has been classified as a Variant of Uncertain Significance. Algorithms developed to predict the effect of missense changes on protein structure and function are either unavailable or do not agree on the potential impact of this missense change (SIFT: "Not Available"; PolyPhen-2: "Benign"; Align-GVGD: "Not Available"). This variant has not been reported in the literature in individuals affected with SLC9A3-related conditions. This variant is not present in population databases (gnomAD no frequency). This sequence change replaces glutamic acid, which is acidic and polar, with aspartic acid, which is acidic and polar, at codon 38 of the SLC9A3 protein (p.Glu38Asp).